The following is an entry in ClinVar:

NM_001165963.4(SCN1A):c.925G>A (p.Val309Ile)

Gene: SCN1A (sodium voltage-gated channel alpha subunit 1; minus strand). Cytogenetic location: 2q24.3.
Variant type: single nucleotide variant.
Coding change: c.925G>A on transcript NM_001165963.4 (MANE Select); coding-DNA position 925, G replaced by A.
Protein change: p.Val309Ile; replaces valine 309 with isoleucine.
Molecular consequence: missense variant. On other transcripts: 5 prime UTR variant (1), non-coding transcript variant (1).
Genome position (GRCh38, 1-based): chr2:166,051,758, C>T on the plus strand (G>A on the coding strand, the complement: SCN1A is on the minus strand). VCF-style: chr2-166051758-C-T. GRCh37 (hg19) VCF-style: chr2-166908268-C-T.
Other names: c.-1501G>A (NM_001353961.2); c.925G>A, p.Val309Ile (NM_006920.6, NM_001165964.3, NM_001202435.3 and 10 more transcripts); short protein forms V309I.
Identifiers: ClinVar variation 3634062 (VCV003634062.2).

ClinVar aggregate classification (germline): Uncertain significance (1 of 4 stars; one submission).

Conditions:
Early-infantile DEE. Also called: Early infantile epileptic encephalopathy; Ohtahara syndrome; Early infantile epileptic encephalopathy with suppression bursts. Identifiers: Orphanet 1934, MedGen C0393706, MONDO:0800491.

Submission:

Labcorp Genetics (formerly Invitae), Labcorp
Classification: Uncertain significance for Early-infantile DEE. Last evaluated: 2024-03-17. Review status: criteria provided, single submitter. Criteria: Invitae Variant Classification Sherloc (09022015). Collection method: clinical testing. Allele origin: germline.
Comment: This sequence change replaces valine, which is neutral and non-polar, with isoleucine, which is neutral and non-polar, at codon 309 of the SCN1A protein (p.Val309Ile). This variant is not present in population databases (gnomAD no frequency). This variant has not been reported in the literature in individuals affected with SCN1A-related conditions. Advanced modeling of protein sequence and biophysical properties (such as structural, functional, and spatial information, amino acid conservation, physicochemical variation, residue mobility, and thermodynamic stability) performed at Invitae indicates that this missense variant is not expected to disrupt SCN1A protein function with a negative predictive value of 95%. In summary, the available evidence is currently insufficient to determine the role of this variant in disease. Therefore, it has been classified as a Variant of Uncertain Significance.